The following is an entry in ClinVar:

NM_000352.6(ABCC8):c.4028A>T (p.Lys1343Met)

Gene: ABCC8 (ATP binding cassette subfamily C member 8; minus strand). Cytogenetic location: 11p15.1.
Variant type: single nucleotide variant.
Coding change: c.4028A>T on transcript NM_000352.6 (MANE Select); coding-DNA position 4028, A replaced by T.
Protein change: p.Lys1343Met; replaces lysine 1343 with methionine.
Molecular consequence: missense variant. On other transcripts: non-coding transcript variant (1).
Genome position (GRCh38, 1-based): chr11:17,397,007, T>A on the plus strand (A>T on the coding strand, the complement: ABCC8 is on the minus strand). VCF-style: chr11-17397007-T-A. GRCh37 (hg19) VCF-style: chr11-17418554-T-A.
Other names: c.4031A>T, p.Lys1344Met (NM_001287174.3); c.4094A>T, p.Lys1365Met (NM_001351295.2); c.4028A>T, p.Lys1343Met (NM_001351296.2); c.4025A>T, p.Lys1342Met (NM_001351297.2); short protein forms K1343M, K1344M, K1365M, K1342M.
Identifiers: ClinVar variation 265022 (VCV000265022.5), dbSNP rs886039301, ClinGen allele CA10588515.

ClinVar aggregate classification (germline): Uncertain significance. Review status: criteria provided, multiple submitters, no conflicts (2 of 4 stars). 5 submissions from 4 submitters: Uncertain significance (4). 1 of the submissions does not count toward it. Last evaluated 2022-02-23.

Conditions:
Hereditary hyperinsulinism.
Diabetes mellitus, permanent neonatal 3. Also called: ABCC8-Related Permanent Neonatal Diabetes Mellitus. Identifiers: MedGen C5394303, MONDO:0030088, OMIM 618857.
Leucine-induced hypoglycemia (LIH). Also called: LEUCINE-SENSITIVE HYPOGLYCEMIA OF INFANCY. Identifiers: MedGen C0271714, MONDO:0009415, OMIM 240800.
Diabetes mellitus, transient neonatal, 2 (TNDM2). Identifiers: Orphanet 99886, MedGen C1835887, MONDO:0012480, OMIM 610374. Disease mechanism: loss of function.
Hyperinsulinemic hypoglycemia, familial, 1 (HHF1). Also called: Persistent hyperinsulinemic hypoglycemia of infancy; NESIDIOBLASTOSIS OF PANCREAS; Persistent Hyperinsulinemia Hypoglycemia of Infancy; HYPERINSULINISM, FAMILIAL, WITH PANCREATIC NESIDIOBLASTOSIS; HYPOGLYCEMIA, HYPERINSULINEMIC, OF INFANCY. Identifiers: Orphanet 276575, Orphanet 276598, MedGen C2931832, MONDO:0009734, OMIM 256450.
Type 2 diabetes mellitus. Also called: Type II diabetes mellitus. Identifiers: MedGen C0011860, MeSH D003924, MONDO:0005148, OMIM 125853, HP:0005978.
Transitory neonatal diabetes mellitus. Also called: Transient neonatal diabetes mellitus. Identifiers: MedGen C0342273, MONDO:0020525, HP:0008255.
Maturity-onset diabetes of the young (MODY). Also called: Maturity onset diabetes mellitus in young. Identifiers: Orphanet 552, MedGen C0342276, MONDO:0018911, HP:0004904.

Allele frequency attached by ClinVar (database versions not stated): TOPMed 0.00002.
gnomAD v4.1: 1 of 1,614,084 alleles (0.000062%); highest among the groups gnomAD compares: African/African-American, 0.0013%; no homozygotes.

Submissions (5):

Fulgent Genetics
Classification: Uncertain significance for Type 2 diabetes mellitus; Leucine-induced hypoglycemia; Hyperinsulinemic hypoglycemia, familial, 1; Diabetes mellitus, transient neonatal, 2; Diabetes mellitus, permanent neonatal 3. Last evaluated: 2022-02-23. Review status: criteria provided, single submitter. Criteria: ACMG Guidelines, 2015. Collection method: clinical testing. Allele origin: unknown.

GeneDx
Classification: Uncertain significance. Last evaluated: 2016-05-05. Review status: criteria provided, single submitter. Criteria: GeneDx Variant Classification (06012015). Collection method: clinical testing. Allele origin: germline. Affected: yes.
Comment: The K1343M variant in the AGCC8 gene has not been reported previously as a pathogenic variant, nor as a benign variant, to our knowledge. The K1343M variant was not observed in approximately 6500 individuals of European and African American ancestry in the NHLBI Exome Sequencing Project, indicating it is not a common benign variant in these populations. The K1343M variant is a non-conservative amino acid substitution, which is likely to impact secondary protein structure as these residues differ in polarity, charge, size and/or other properties. This substitution occurs at a position that is conserved in mammals. In silico analysis is inconsistent in its predictions as to whether or not the variant is damaging to the protein structure/function. Based on review of the data in the context of the 2015 ACMG standards and guidelines for the interpretation of sequence variants (Richards et al., 2015), we now interpret K1343M as a variant of uncertain significance.

Clinical Genomics, Uppaluri K&H Personalized Medicine Clinic
Classification: Uncertain significance for Maturity-onset diabetes of the young. Review status: criteria provided, single submitter. Criteria: K & H Uppaluri Personalized Medicine Clinic Variant Classification & Assertion Criteria_Updated V.1. Collection method: research. Allele origin: somatic. Inheritance: Somatic mutation.
Comment: Mutations in ABCC8 gene are associated with both neonatal diabetes mellitus as well as MODY. Patients with this mutation may have a better response to sulfonylureas. However, no sufficient evidence is found to ascertain the role of this particular variant (rs886039301) in MODY yet.

Clinical Genomics, Uppaluri K&H Personalized Medicine Clinic
Classification: Uncertain significance for Transitory neonatal diabetes mellitus. Review status: criteria provided, single submitter. Criteria: K & H Uppaluri Personalized Medicine Clinic Variant Classification & Assertion Criteria_Updated V.1. Collection method: research. Allele origin: somatic. Inheritance: Somatic mutation.
Comment: Mutations in ABCC8 gene are associated with both neonatal diabetes mellitus as well as MODY. Patients with this mutation may have a better response to sulfonylureas. However, no sufficient evidence is found to ascertain the role of this particular variant (rs886039301) in neonatal diabetes yet.

Natera, Inc.
Classification: Uncertain significance for Hereditary hyperinsulinism. Last evaluated: 2021-07-21. Review status: no assertion criteria provided. Collection method: clinical testing. Allele origin: germline. Not counted in ClinVar's aggregate classification.

Literature cited by the submitters: PubMed 16885549 (cited by Clinical Genomics, Uppaluri K&H Personalized Medicine Clinic); PubMed 21989597 (cited by Clinical Genomics, Uppaluri K&H Personalized Medicine Clinic); PubMed 27538677 (cited by Clinical Genomics, Uppaluri K&H Personalized Medicine Clinic); PubMed 18981553 (cited by Clinical Genomics, Uppaluri K&H Personalized Medicine Clinic); PubMed 32027066 (cited by Clinical Genomics, Uppaluri K&H Personalized Medicine Clinic); PubMed 16613899 (cited by Clinical Genomics, Uppaluri K&H Personalized Medicine Clinic); PubMed 18025408 (cited by Clinical Genomics, Uppaluri K&H Personalized Medicine Clinic); PubMed 32792356 (cited by Clinical Genomics, Uppaluri K&H Personalized Medicine Clinic).